The following is an entry in ClinVar:

NM_138694.4(PKHD1):c.4328del (p.Cys1443fs)

Gene: PKHD1 (PKHD1 ciliary IPT domain containing fibrocystin/polyductin; minus strand). Cytogenetic location: 6p12.2.
Variant type: Deletion.
Coding change: c.4328del on transcript NM_138694.4 (MANE Select); coding-DNA position 4328, one base deleted (G; older notation c.4328delG).
Protein change: p.Cys1443fs; shifts the reading frame from cysteine 1443.
Molecular consequence: frameshift variant.
Genome position (GRCh38, 1-based): chr6:52,025,482, C deleted on the plus strand (G on the coding strand, the reverse complement: PKHD1 is on the minus strand). VCF-style (leftmost placement, unchanged base first): chr6-52025481-GC-G. GRCh37 (hg19) VCF-style: chr6-51890279-GC-G.
Other names: c.4328del, p.Cys1443fs (NM_170724.3); short protein forms C1443fs.
Identifiers: ClinVar variation 2831486 (VCV002831486.3), dbSNP rs2532716617, ClinGen allele CA2739273117.

ClinVar aggregate classification (germline): Pathogenic (1 of 4 stars; one submission).

Conditions:
Autosomal recessive polycystic kidney disease (ARPKD). Also called: AR polycystic kidney disease. Identifiers: Orphanet 731, Orphanet 8378, MedGen C0085548, MeSH D017044, MONDO:0009889.

Submission:

Labcorp Genetics (formerly Invitae), Labcorp
Classification: Pathogenic for Autosomal recessive polycystic kidney disease. Last evaluated: 2023-01-24. Review status: criteria provided, single submitter. Criteria: Invitae Variant Classification Sherloc (09022015). Collection method: clinical testing. Allele origin: germline.
Comment: For these reasons, this variant has been classified as Pathogenic. This variant has not been reported in the literature in individuals affected with PKHD1-related conditions. This variant is not present in population databases (gnomAD no frequency). This sequence change creates a premature translational stop signal (p.Cys1443Serfs*17) in the PKHD1 gene. It is expected to result in an absent or disrupted protein product. Loss-of-function variants in PKHD1 are known to be pathogenic (PMID: 19940839).

Literature cited by the submitters: PubMed 19940839.